The following is an entry in ClinVar:

NM_007317.3(KIF22):c.632C>G (p.Ser211Cys)

Gene: KIF22 (kinesin family member 22; plus strand). Cytogenetic location: 16p11.2.
Variant type: single nucleotide variant.
Coding change: c.632C>G on transcript NM_007317.3 (MANE Select); coding-DNA position 632, C replaced by G.
Protein change: p.Ser211Cys; replaces serine 211 with cysteine.
Molecular consequence: missense variant.
Genome position (GRCh38, 1-based): chr16:29,799,057, C>G. VCF-style: chr16-29799057-C-G. GRCh37 (hg19) VCF-style: chr16-29810378-C-G.
Other names: c.428C>G, p.Ser143Cys (NM_001256269.2, NM_001256270.1); c.632C>G (NM_007317.1); short protein forms S211C, S143C.
Identifiers: ClinVar variation 1921509 (VCV001921509.6), dbSNP rs140332579, ClinGen allele CA280385763.

ClinVar aggregate classification (germline): Uncertain significance. Review status: criteria provided, multiple submitters, no conflicts (2 of 4 stars). 2 submissions from 2 submitters: Uncertain significance (2). Last evaluated 2026-01-26.

Allele frequency attached by ClinVar (database versions not stated): gnomAD 0.00001; ESP Exome Variant Server 0.00008.

Submissions (2):

Labcorp Genetics (formerly Invitae), Labcorp
Classification: Uncertain significance. Last evaluated: 2026-01-26. Review status: criteria provided, single submitter. Criteria: Invitae Variant Classification Sherloc (09022015). Collection method: clinical testing. Allele origin: germline.
Comment: This sequence change replaces serine, which is neutral and polar, with cysteine, which is neutral and slightly polar, at codon 211 of the KIF22 protein (p.Ser211Cys). This variant is present in population databases (rs140332579, gnomAD 0.007%). This variant has not been reported in the literature in individuals affected with KIF22-related conditions. ClinVar contains an entry for this variant (Variation ID: 1921509). Invitae Evidence Modeling of protein sequence and biophysical properties (such as structural, functional, and spatial information, amino acid conservation, physicochemical variation, residue mobility, and thermodynamic stability) indicates that this missense variant is not expected to disrupt KIF22 protein function with a negative predictive value of 80%. In summary, the available evidence is currently insufficient to determine the role of this variant in disease. Therefore, it has been classified as a Variant of Uncertain Significance.

Ambry Genetics
Classification: Uncertain significance. Last evaluated: 2024-01-08. Review status: criteria provided, single submitter. Criteria: Ambry Variant Classification Scheme 2023. Collection method: clinical testing. Allele origin: germline.